The following is an entry in ClinVar:

ClinVar aggregate classification (germline): Conflicting classifications of pathogenicity. Review status: criteria provided, conflicting classifications (1 of 4 stars). 9 submissions from 8 submitters: Uncertain significance (3); Likely benign (5). 1 of the submissions does not count toward it. Last evaluated 2025-12-18.

Conditions:
Cranioectodermal dysplasia 2 (CED2). Identifiers: Orphanet 1515, MedGen C3150874, MONDO:0013323, OMIM 613610.
WDR35-related disorder. Also called: WDR35-related condition; WDR35-related disorders. Identifiers: MedGen CN239419.
Short-rib thoracic dysplasia 7 with or without polydactyly (SRTD7). Also called: Short rib polydactyly syndrome 5; SHORT-RIB THORACIC DYSPLASIA 7 WITH POLYDACTYLY. Identifiers: Orphanet 498497, Orphanet 93271, MedGen C3279792, MONDO:0013569, OMIM 614091.

Allele frequency attached by ClinVar (database versions not stated): gnomAD exomes 0.00026 and 0.00050; ExAC 0.00070; gnomAD 0.00151 and 0.00168; 1000 Genomes Project 0.00160; TOPMed 0.00172; 1000 Genomes Project 30x 0.00203; ESP Exome Variant Server 0.00208.
gnomAD v4.1: 615 of 1,613,936 alleles (0.038%); highest among the groups gnomAD compares: African/African-American, 0.54%; no homozygotes.

Submissions (9):

Labcorp Genetics (formerly Invitae), Labcorp
Classification: Likely benign for Cranioectodermal dysplasia 2; Short-rib thoracic dysplasia 7 with or without polydactyly. Last evaluated: 2025-12-18. Review status: criteria provided, single submitter. Criteria: Invitae Variant Classification Sherloc (09022015). Collection method: clinical testing. Allele origin: germline.

GeneDx
Classification: Uncertain significance. Last evaluated: 2025-05-08. Review status: criteria provided, single submitter. Criteria: GeneDx Variant Classification Process June 2021. Collection method: clinical testing. Allele origin: germline. Affected: yes.
Comment: In silico analysis supports that this missense variant has a deleterious effect on protein structure/function; Has not been previously published as pathogenic or benign to our knowledge

Blueprint Genetics
Classification: Likely benign. Last evaluated: 2024-10-22. Review status: criteria provided, single submitter. Criteria: ACMG Guidelines, 2015. Collection method: clinical testing. Allele origin: germline.

ARUP Laboratories, Molecular Genetics and Genomics, ARUP Laboratories
Classification: Uncertain significance. Last evaluated: 2020-01-20. Review status: criteria provided, single submitter. Criteria: ARUP Molecular Germline Variant Investigation Process. Collection method: clinical testing. Allele origin: germline.
Comment: The WDR35 c.2099G>A; p.Arg700His variant (rs74470618), to our knowledge, is not reported in the medical literature but is reported in ClinVar (Variation ID: 212590). This variant is found in the African population with an overall allele frequency of 0.62% (147/23952 alleles) in the Genome Aggregation Database. The arginine at codon 700 is highly conserved, but computational analyses (SIFT: damaging, PolyPhen-2: benign) predict conflicting effects of this variant on protein structure/function. However, due to limited information, the clinical significance of the p.Arg700His variant is uncertain at this time.

Illumina Laboratory Services, Illumina
Classification: Likely benign for Short-rib thoracic dysplasia 7 with or without polydactyly. Last evaluated: 2018-01-12. Review status: criteria provided, single submitter. Criteria: ICSL Variant Classification Criteria 13 December 2019. Collection method: clinical testing. Allele origin: germline.
Comment: This variant was observed in the ICSL laboratory as part of a predisposition screen in an ostensibly healthy population. It had not been previously curated by ICSL or reported in the Human Gene Mutation Database (HGMD: prior to June 1st, 2018), and was therefore a candidate for classification through an automated scoring system. Utilizing variant allele frequency, disease prevalence and penetrance estimates, and inheritance mode, an automated score was calculated to assess if this variant is too frequent to cause the disease. Based on the score and internal cut-off values, a variant classified as likely benign is not then subjected to further curation. The score for this variant resulted in a classification of likely benign for this disease.

Illumina Laboratory Services, Illumina
Classification: Likely benign for Cranioectodermal dysplasia 2. Last evaluated: 2018-01-12. Review status: criteria provided, single submitter. Criteria: ICSL Variant Classification Criteria 13 December 2019. Collection method: clinical testing. Allele origin: germline.
Comment: the same text as in the submission from Illumina Laboratory Services, Illumina above.

Eurofins Ntd Llc (ga)
Classification: Likely benign. Last evaluated: 2016-06-01. Review status: criteria provided, single submitter. Criteria: EGL Classification Definitions 2015. Collection method: clinical testing. Allele origin: germline. Observed: 1 variant allele, 1 heterozygote.

Genetic Services Laboratory, University of Chicago
Classification: Uncertain significance. Last evaluated: 2015-04-30. Review status: criteria provided, single submitter. Criteria: ACMG Guidelines, 2015. Collection method: clinical testing. Allele origin: germline.

PreventionGenetics, part of Exact Sciences
Classification: Likely benign for WDR35-related condition. Last evaluated: 2019-09-30. Review status: no assertion criteria provided. Collection method: clinical testing. Allele origin: germline. Not counted in ClinVar's aggregate classification.
Comment: This variant is classified as likely benign based on ACMG/AMP sequence variant interpretation guidelines (Richards et al. 2015 PMID: 25741868, with internal and published modifications).

NM_020779.4(WDR35):c.2066G>A (p.Arg689His)

Gene: WDR35 (WD repeat domain 35; minus strand). Cytogenetic location: 2p24.1.
Variant type: single nucleotide variant.
Coding change: c.2066G>A on transcript NM_020779.4 (MANE Select); coding-DNA position 2066, G replaced by A.
Protein change: p.Arg689His; replaces arginine 689 with histidine.
Molecular consequence: missense variant.
Genome position (GRCh38, 1-based): chr2:19,937,944, C>T on the plus strand (G>A on the coding strand, the complement: WDR35 is on the minus strand). VCF-style: chr2-19937944-C-T. GRCh37 (hg19) VCF-style: chr2-20137705-C-T.
Other names: c.2099G>A, p.Arg700His (NM_001006657.2); short protein forms R700H, R689H.
Identifiers: ClinVar variation 212590 (VCV000212590.38), dbSNP rs74470618, ClinGen allele CA207959.